The following is an entry in ClinVar:

NM_001232.4(CASQ2):c.606+2T>A

Gene: CASQ2 (calsequestrin 2; minus strand). Cytogenetic location: 1p13.1.
Variant type: single nucleotide variant.
Coding change: c.606+2T>A on transcript NM_001232.4 (MANE Select); the canonical splice donor site of the intron after coding-DNA position 606, T replaced by A.
Molecular consequence: splice donor variant.
Genome position (GRCh38, 1-based): chr1:115,732,899, A>T on the plus strand (T>A on the coding strand, the complement: CASQ2 is on the minus strand). VCF-style: chr1-115732899-A-T. GRCh37 (hg19) VCF-style: chr1-116275520-A-T.
Identifiers: ClinVar variation 3575384 (VCV003575384.2).

ClinVar aggregate classification (germline): Likely pathogenic. Review status: criteria provided, multiple submitters, no conflicts (2 of 4 stars). 2 submissions from 2 submitters: Likely pathogenic (2). Last evaluated 2025-09-04.

Conditions:
Catecholaminergic polymorphic ventricular tachycardia 1. Also called: VENTRICULAR TACHYCARDIA, CATECHOLAMINERGIC POLYMORPHIC, 1, WITH OR WITHOUT ATRIAL DYSFUNCTION AND/OR DILATED CARDIOMYOPATHY; VENTRICULAR TACHYCARDIA, STRESS-INDUCED POLYMORPHIC 1; RYR2-Related Catecholaminergic Polymorphic Ventricular Tachycardia. Identifiers: Orphanet 3286, MedGen C1631597, MONDO:0011484, OMIM 604772.
Catecholaminergic polymorphic ventricular tachycardia 2. Also called: VENTRICULAR TACHYCARDIA, STRESS-INDUCED POLYMORPHIC 2; CASQ2-Related Catecholaminergic Polymorphic Ventricular Tachycardia. Identifiers: Orphanet 3286, MedGen C2677794, MONDO:0012762, OMIM 611938.

Submissions (2):

Labcorp Genetics (formerly Invitae), Labcorp
Classification: Likely pathogenic for Catecholaminergic polymorphic ventricular tachycardia 1. Last evaluated: 2025-09-04. Review status: criteria provided, single submitter. Criteria: Invitae Variant Classification Sherloc (09022015). Collection method: clinical testing. Allele origin: germline.
Comment: This sequence change affects a donor splice site in intron 5 of the CASQ2 gene. It is expected to disrupt RNA splicing. Variants that disrupt the donor or acceptor splice site typically lead to a loss of protein function (PMID: 16199547), and loss-of-function variants in CASQ2 are known to be pathogenic (PMID: 12386154). This variant is not present in population databases (gnomAD no frequency). Disruption of this splice site has been observed in individual(s) with clinical features of catecholaminergic polymorphic ventricular tachycardia (PMID: 37937776; internal data). ClinVar contains an entry for this variant (Variation ID: 3575384). Algorithms developed to predict the effect of sequence changes on RNA splicing suggest that this variant may disrupt the consensus splice site. In summary, the currently available evidence indicates that the variant is pathogenic, but additional data are needed to prove that conclusively. Therefore, this variant has been classified as Likely Pathogenic.

Fulgent Genetics
Classification: Likely pathogenic for Catecholaminergic polymorphic ventricular tachycardia 2. Last evaluated: 2024-01-29. Review status: criteria provided, single submitter. Criteria: ACMG Guidelines, 2015. Collection method: clinical testing. Allele origin: germline.

Literature cited by the submitters: PubMed 16199547 (cited by Labcorp Genetics (formerly Invitae), Labcorp); PubMed 12386154 (cited by Labcorp Genetics (formerly Invitae), Labcorp); PubMed 37937776 (cited by Labcorp Genetics (formerly Invitae), Labcorp).